The following is an entry in ClinVar:

ClinVar aggregate classification (germline): Uncertain significance. Review status: criteria provided, multiple submitters, no conflicts (2 of 4 stars). 2 submissions from 2 submitters: Uncertain significance (2). Last evaluated 2025-07-22.

Conditions:
Saldino-Mainzer syndrome (SRTD9). Also called: SHORT-RIB THORACIC DYSPLASIA 9 WITHOUT POLYDACTYLY; Renal dysplasia, retinal pigmentary dystrophy, cerebellar ataxia and skeletal dysplasia; short-rib thoracic dysplasia 9 with or without polydactyly; CONORENAL SYNDROME. Identifiers: Orphanet 140969, MedGen C1849437, MONDO:0009964, OMIM 266920.

Allele frequency attached by ClinVar (database versions not stated): gnomAD exomes 0.00001 and 0.00003; ExAC 0.00002; gnomAD 0.00003 and 0.00004; TOPMed 0.00003.
gnomAD v4.1: 44 of 1,613,616 alleles (0.0027%); highest among the groups gnomAD compares: Non-Finnish European, 0.0036%; no homozygotes.

Submissions (2):

Labcorp Genetics (formerly Invitae), Labcorp
Classification: Uncertain significance for Saldino-Mainzer syndrome. Last evaluated: 2025-07-22. Review status: criteria provided, single submitter. Criteria: Invitae Variant Classification Sherloc (09022015). Collection method: clinical testing. Allele origin: germline.
Comment: This sequence change replaces threonine, which is neutral and polar, with alanine, which is neutral and non-polar, at codon 1350 of the IFT140 protein (p.Thr1350Ala). This variant is present in population databases (rs756448762, gnomAD 0.003%). This variant has not been reported in the literature in individuals affected with IFT140-related conditions. ClinVar contains an entry for this variant (Variation ID: 887658). Invitae Evidence Modeling of protein sequence and biophysical properties (such as structural, functional, and spatial information, amino acid conservation, physicochemical variation, residue mobility, and thermodynamic stability) indicates that this missense variant is not expected to disrupt IFT140 protein function with a negative predictive value of 95%. In summary, the available evidence is currently insufficient to determine the role of this variant in disease. Therefore, it has been classified as a Variant of Uncertain Significance.

Illumina Laboratory Services, Illumina
Classification: Uncertain significance for Saldino-Mainzer syndrome. Last evaluated: 2018-01-13. Review status: criteria provided, single submitter. Criteria: ICSL Variant Classification Criteria 13 December 2019. Collection method: clinical testing. Allele origin: germline.

NM_014714.4(IFT140):c.4048A>G (p.Thr1350Ala)

Gene: IFT140 (intraflagellar transport 140; minus strand). Cytogenetic location: 16p13.3.
Variant type: single nucleotide variant.
Coding change: c.4048A>G on transcript NM_014714.4 (MANE Select); coding-DNA position 4048, A replaced by G.
Protein change: p.Thr1350Ala; replaces threonine 1350 with alanine.
Molecular consequence: missense variant.
Genome position (GRCh38, 1-based): chr16:1,518,350, T>C on the plus strand (A>G on the coding strand, the complement: IFT140 is on the minus strand). VCF-style: chr16-1518350-T-C. GRCh37 (hg19) VCF-style: chr16-1568351-T-C.
Other names: short protein forms T1350A.
Identifiers: ClinVar variation 887658 (VCV000887658.9), dbSNP rs756448762, ClinGen allele CA7812913.